The following is an entry in ClinVar:

NM_007294.4(BRCA1):c.3454G>A (p.Asp1152Asn)

Genes: BRCA1 (BRCA1 DNA repair associated; minus strand), LOC126862571 (BRD4-independent group 4 enhancer GRCh37_chr17:41243136-41244335; plus strand). Cytogenetic location: 17q21.31.
Variant type: single nucleotide variant.
Coding change: c.3454G>A on transcript NM_007294.4 (MANE Select); coding-DNA position 3454, G replaced by A.
Protein change: p.Asp1152Asn; replaces aspartic acid 1152 with asparagine.
Molecular consequence: missense variant. On other transcripts: intron variant (135).
Genome position (GRCh38, 1-based): chr17:43,092,077, C>T on the plus strand (G>A on the coding strand, the complement: BRCA1 is on the minus strand). VCF-style: chr17-43092077-C-T. GRCh37 (hg19) VCF-style: chr17-41244094-C-T.
Other names: p.D1152N:GAC>AAC; 3573G>A; c.3241G>A, p.Asp1081Asn (NM_001407571.1, NM_001407853.1, NM_001407894.1 and 9 more transcripts); c.3454G>A, p.Asp1152Asn (NM_001407581.1, NM_001407582.1, NM_001407583.1 and 30 more transcripts); c.3451G>A, p.Asp1151Asn (NM_001407587.1, NM_001407590.1, NM_001407591.1 and 22 more transcripts); c.3445G>A, p.Asp1149Asn (NM_001407646.1, NM_001407647.1); c.3310G>A, p.Asp1104Asn (NM_001407846.1, NM_001407847.1, NM_001407848.1 and 20 more transcripts); c.3331G>A, p.Asp1111Asn (NM_001407648.1, NM_001407863.1, NM_001407664.1 and 19 more transcripts); and 43 more; short protein forms D1152N, D1105N, D1041N, D1063N, D1081N, D284N, D856N, D984N.
Identifiers: ClinVar variation 54890 (VCV000054890.82), dbSNP rs80357175, ClinGen allele CA002231.
Genomic context (GRCh38, chr17:43,092,077, plus strand): 5'-CCTTAATGTCATTTTCAGCAAAACTAGTATCTTCCTTTATTTCACCATCATCTAACAGGT[C>T]ATCAGGTGTCTCAGAACAAACCTGAGATGCATGACTACTTCCCATAGGCTGTTCTAAGTT-3'
Protein context (NP_009225.1, residues 1142-1162): ASQVCSETPD[Asp1152Asn]LLDDGEIKED

ClinVar aggregate classification (germline): Conflicting classifications of pathogenicity. Review status: criteria provided, conflicting classifications (1 of 4 stars). 21 submissions from 21 submitters: Uncertain significance (8); Likely benign (8). 5 of the submissions do not count toward it. Last evaluated 2026-02-01.

Conditions:
Hereditary cancer-predisposing syndrome. Also called: Hereditary Cancer Syndrome; Tumor predisposition; Neoplastic Syndromes, Hereditary; Hereditary neoplastic syndrome. Identifiers: Orphanet 140162, MedGen C0027672, MeSH D009386, MONDO:0015356.
Hereditary breast ovarian cancer syndrome. Also called: Breast and ovarian cancer; BRCA1- and BRCA2-Associated Hereditary Breast and Ovarian Cancer; Hereditary breast and ovarian cancer; Hereditary breast and ovarian cancer syndrome (HBOC); Hereditary breast and ovarian cancer syndrome; Hereditary breast and/or ovarian cancer syndrome. Identifiers: Orphanet 145, MedGen C0677776, MeSH D061325, MONDO:0003582. Disease mechanism: loss of function.
Breast-ovarian cancer, familial, susceptibility to, 1 (BROVCA1). Also called: BRCA1 Hereditary Breast and Ovarian Cancer; OVARIAN CANCER, SUSCEPTIBILITY TO. Identifiers: Orphanet 145, MedGen C2676676, MONDO:0011450, OMIM 604370. Disease mechanism: loss of function.
Familial cancer of breast. Also called: BREAST CANCER, FAMILIAL; hereditary breast carcinoma; Hereditary breast cancer. Identifiers: Orphanet 227535, MedGen C0346153, MONDO:0016419, OMIM 114480. Disease mechanism: loss of function.
Malignant tumor of breast. Also called: Malignant breast neoplasm; Cancer breast. Identifiers: MedGen C0006142, MONDO:0007254. Disease mechanism: loss of function.

Allele frequency attached by ClinVar (database versions not stated): gnomAD exomes 0.00004; ExAC 0.00002; gnomAD 0.00003 and 0.00004; TOPMed 0.00003.
gnomAD v4.1: 44 of 1,613,928 alleles (0.0027%); highest among the groups gnomAD compares: Non-Finnish European, 0.0037%; 1 homozygote.

Submissions 1 to 9 of 21:

Labcorp Genetics (formerly Invitae), Labcorp
Classification: Likely benign for Hereditary breast ovarian cancer syndrome. Last evaluated: 2026-02-01. Review status: criteria provided, single submitter. Criteria: Invitae Variant Classification Sherloc (09022015). Collection method: clinical testing. Allele origin: germline.

Center for Genomic Medicine, Rigshospitalet, Copenhagen University Hospital
Classification: Uncertain significance. Last evaluated: 2025-03-04. Review status: criteria provided, single submitter. Criteria: ACMG Guidelines, 2015. Collection method: clinical testing. Allele origin: germline.

Women's Health and Genetics/Laboratory Corporation of America, LabCorp
Classification: Likely benign. Last evaluated: 2024-08-06. Review status: criteria provided, single submitter. Criteria: LabCorp Variant Classification Summary - May 2015. Collection method: clinical testing. Allele origin: germline.
Comment: Variant summary: BRCA1 c.3454G>A (p.Asp1152Asn) results in a conservative amino acid change in the encoded protein sequence. Five of five in-silico tools predict a benign effect of the variant on protein function. The variant allele was found at a frequency of 2.7e-05 in 1607012 control chromosomes in the gnomAD database (v4.1 dataset), including 1 homozygote. This frequency is not higher than the estimated maximum expected for a pathogenic variant in BRCA1 causing Hereditary Breast And Ovarian Cancer Syndrome (0.001), however the presence of the variant in a homozygote suggests that it might be benign. c.3454G>A has been reported in the literature in individuals affected with breast and/or ovarian cancer without strong evidence for causality (e.g. Hansen_2009, Borg_2010, Stegel_2011, Wong-Brown_2015, Kluska_2015, Zhang_2015, Santonocito_2020, Hauke_2022). These reports do not provide unequivocal conclusions about association of the variant with Hereditary Breast And Ovarian Cancer Syndrome. In a large study evaluating breast cancer cases and controls in the Breast Cancer Association Consortium (BCAC), the variant was reported in 6/60466 cases, but was also found in 5/53461 controls (Dorling_2021, reported through LOVD). A co-occurrence with a likely pathogenic variant (BRCA1 c.4485_4675del, p.Ser1496GlyfsX14, which corresponds to the deletion of exon 14) has also been reported, providing supporting evidence for a benign role (UMD database). Although, a recent in vitro expression study found reduced protein levels and increased proteasomal degradation for the variant protein (Hovland_2023), earlier studies demonstrated no damaging effect of this variant on homology directed repair (HDR) activity, and no impairment on its ability to complement BRCA1-deficient mouse embryonic stem cells in homologous recombination DNA repair (HRR) using cisplatin and olaparib sensitivity assays and a direct GFP HRR assay (e.g. Lu_2015, Bouwman_2020). HDR assays qualify as a recognized gold standard on the basis of updated guidance provided by the ClinGen Sequence Variant Interpretation (SVI) working group. The following publications have been ascertained in the context of this evaluation (PMID: 15235020, 20104584, 32546644, 21520273, 12531920, 18500671, 33273034, 25948282, 26689913, 15385441, 32438681, 21232165, 23704879, 25682074, 26580448, 36833189, 33471991). ClinVar contains an entry for this variant (Variation ID: 54890). Based on the evidence outlined above, the variant was classified as likely benign.

Quest Diagnostics Nichols Institute San Juan Capistrano
Classification: Likely benign. Last evaluated: 2023-05-18. Review status: criteria provided, single submitter. Criteria: Quest Diagnostics criteria. Collection method: clinical testing. Allele origin: unknown.

University of Washington Department of Laboratory Medicine, University of Washington
Classification: Likely benign for Hereditary cancer-predisposing syndrome. Last evaluated: 2023-03-23. Review status: criteria provided, single submitter. Criteria: Dines et al. (Genet Med. 2020). Collection method: curation. Allele origin: germline.
Comment: Missense variant in a coldspot region where missense variants are very unlikely to be pathogenic (PMID:31911673).

BRCA1 coldspot (exon 11 using historical exon numbering). Reclassification based on statistical prior probability

CeGaT Center for Human Genetics Tuebingen
Classification: Uncertain significance. Last evaluated: 2022-06-01. Review status: criteria provided, single submitter. Criteria: CeGaT Center For Human Genetics Tuebingen Variant Classification Criteria Version 2. Collection method: clinical testing. Allele origin: germline. Affected: yes. Observed: 2 variant alleles.
Comment: BRCA1: PM2, BP1

Sema4
Classification: Likely benign for Hereditary cancer-predisposing syndrome. Last evaluated: 2020-12-11. Review status: criteria provided, single submitter. Criteria: Sema4 Curation Guidelines. Collection method: curation. Allele origin: germline.

Centre for Mendelian Genomics, University Medical Centre Ljubljana
Classification: Uncertain significance for Familial cancer of breast. Last evaluated: 2019-09-16. Review status: criteria provided, single submitter. Criteria: ACMG Guidelines, 2015. Collection method: clinical testing. Allele origin: unknown. Affected: yes.
Comment: This variant was classified as: Uncertain significance. The available evidence on this variant's pathogenicity is insufficient or conflicting. The following ACMG criteria were applied in classifying this variant: PM2,BP1.

GeneDx
Classification: Uncertain significance. Last evaluated: 2019-04-10. Review status: criteria provided, single submitter. Criteria: GeneDx Variant Classification Process June 2021. Collection method: clinical testing. Allele origin: germline. Affected: yes.
Comment: Not observed at a significant frequency in large population cohorts (Lek et al., 2016); This variant is associated with the following publications: (PMID: 20104584, 18500671, 15235020, 25948282, 21232165, 26689913, 26580448, 26941049, 21520273, 25682074, 23704879, 15385441)